The following is an entry in ClinVar:

ClinVar aggregate classification (germline): Pathogenic (1 of 4 stars; one submission).

Conditions:
Neuronal ceroid lipofuscinosis. Also called: Neuronal Ceroid Lipofuscinoses. Identifiers: Orphanet 216, Orphanet 79263, MedGen C0027877, MONDO:0016295. Disease mechanism: loss of function.

Submission:

Labcorp Genetics (formerly Invitae), Labcorp
Classification: Pathogenic for Neuronal ceroid lipofuscinosis. Last evaluated: 2023-11-28. Review status: criteria provided, single submitter. Criteria: Invitae Variant Classification Sherloc (09022015). Collection method: clinical testing. Allele origin: unknown.
Comment: This variant is a gross deletion of the genomic region encompassing exon(s) 2 of the CLN6 gene. This deletion is out-of-frame, and is expected to create a premature termination codon and result in an absent or disrupted protein product. Loss-of-function variants in CLN6 are known to be pathogenic (PMID: 19135028). This variant has not been reported in the literature in individuals affected with CLN6-related conditions. For these reasons, this variant has been classified as Pathogenic.

Literature cited by the submitters: PubMed 19135028.

NC_000015.9:g.(?_68510854)_(68511008_?)del

Gene: CLN6 (CLN6 transmembrane ER protein; minus strand). Cytogenetic location: 15q23.
Variant type: Deletion.
Identifiers: ClinVar variation 3243741 (VCV003243741.1).